The following is an entry in ClinVar:

NM_001267550.2(TTN):c.65573dup (p.Asn21858fs)

Genes: TTN-AS1 (TTN antisense RNA 1; plus strand), TTN (titin; minus strand). Cytogenetic location: 2q31.2.
Variant type: Duplication.
Coding change: c.65573dup on transcript NM_001267550.2 (MANE Select); coding-DNA position 65573, one base duplicated (A; older notation c.65573dupA).
Protein change: p.Asn21858fs; shifts the reading frame from asparagine 21858.
Molecular consequence: frameshift variant. On other transcripts: non-coding transcript variant (1).
Genome position (GRCh38, 1-based): chr2:178,583,609, T duplicated on the plus strand (A on the coding strand, the reverse complement: TTN is on the minus strand); the first of 4 consecutive T bases (chr2:178,583,609-178,583,612); duplicating any one gives the same sequence. VCF-style (leftmost placement, unchanged base first): chr2-178583608-A-AT. GRCh37 (hg19) VCF-style: chr2-179448335-A-AT.
Other names: c.60650dup, p.Asn20217fs (NM_001256850.1); c.38378dup, p.Asn12793fs (NM_003319.4); c.57869dup, p.Asn19290fs (NM_133378.4); c.38753dup, p.Asn12918fs (NM_133432.3); c.38954dup, p.Asn12985fs (NM_133437.4); short protein forms N21858fs, N12793fs, N12918fs, N19290fs, N12985fs, N20217fs.
Identifiers: ClinVar variation 2952483 (VCV002952483.3), dbSNP rs2469096925, ClinGen allele CA2740096058.

ClinVar aggregate classification (germline): Likely pathogenic (1 of 4 stars; one submission).

Conditions:
Autosomal recessive limb-girdle muscular dystrophy type 2J (LGMDR10). Also called: Limb-girdle muscular dystrophy, type 2J; MUSCULAR DYSTROPHY, LIMB-GIRDLE, AUTOSOMAL RECESSIVE 10. Identifiers: Orphanet 140922, MedGen C1837342, MONDO:0012127, OMIM 608807.
Dilated cardiomyopathy 1G (CMD1G). Identifiers: Orphanet 154, MedGen C1858763, MONDO:0011400, OMIM 604145.

Submission:

Labcorp Genetics (formerly Invitae), Labcorp
Classification: Likely pathogenic for Dilated cardiomyopathy 1G; Autosomal recessive limb-girdle muscular dystrophy type 2J. Last evaluated: 2024-05-01. Review status: criteria provided, single submitter. Criteria: Invitae Variant Classification Sherloc (09022015). Collection method: clinical testing. Allele origin: germline.
Comment: This sequence change creates a premature translational stop signal (p.Asn21858Lysfs*23) in the TTN gene. While this is not anticipated to result in nonsense mediated decay, it is expected to create a truncated TTN protein. This variant is not present in population databases (gnomAD no frequency). This premature translational stop signal has been observed in individual(s) with dilated cardiomyopathy (Invitae). This variant is located in the A band of TTN (PMID: 25589632). Truncating variants in this region are significantly overrepresented in patients affected with dilated cardiomyopathy (PMID: 25589632). Truncating variants in this region have also been reported in individuals affected with autosomal recessive centronuclear myopathy (PMID: 23975875). In summary, the currently available evidence indicates that the variant is pathogenic, but additional data are needed to prove that conclusively. Therefore, this variant has been classified as Likely Pathogenic.

Literature cited by the submitters: PubMed 25589632; PubMed 23975875.